The following is an entry in ClinVar:

ClinVar aggregate classification (germline): Pathogenic (0 of 4 stars; one submission).

Submission:

Quest Diagnostics Nichols Institute San Juan Capistrano
Classification: Pathogenic. Last evaluated: 2020-09-14. Review status: no assertion criteria provided. Collection method: clinical testing. Allele origin: germline.
Comment: This interstitial deletion of 15q26.1 involves multiple OMIM genes and is expected to cause phenotypic and/or developmental abnormalities. This locus falls within a much larger chromosomal region that is associated with the 15q26-qter deletion syndrome (OMIM 612626). Several similar or smaller deletions, mostly de novo, within 15q26.1 or 15q26.1-26.2 have been reported in individuals with a spectrum of phenotypes including epilepsy, intellectual disability, facial dysmorphism, minor physical anomalies, developmental delay, and/or speech delay (Veredice et al., Epilepsia. 2009 Jul;50(7):1810-5. PMID: 19486360; Dhamija et al., Pediatr Neurol. 2011 Jul;45(1):60-2. PMID: 21723464; Li et al., Am J Med Genet A. 2008 Feb 1;146A(3):368-75. PMID: 18203177). RGMA (OMIM 607362) and ST8SIA2 (OMIM 602546) at 15q26.1 have been suggested as candidate genes for the seizure phenotype. Additionally, haploinsufficiency, via loss-of-function sequence variants of CHD2 is associated with childhood-onset epileptic encephalopathy (OMIM 615369). This large deletion also includes other OMIM genes that are associated with autosomal dominant phenotypes: POLG (OMIM 157640), and RLBP1 (OMIM 136880).

GRCh37/hg19 15q26.1(chr15:89520451-93926491)x1

Genes: ABHD2 (abhydrolase domain containing 2, acylglycerol lipase; plus strand), ANPEP (alanyl aminopeptidase, membrane; minus strand), AP3S2 (adaptor related protein complex 3 subunit sigma 2; minus strand), ARPIN (actin related protein 2/3 complex inhibitor; minus strand), ARPIN-AP3S2 (ARPIN-AP3S2 readthrough; minus strand) and 38 more. Cytogenetic location: 15q26.1.
Variant type: copy number loss.
Change: copy number 1 (one copy instead of two) of chr15:89,520,451-93,926,491 (4.41 Mb, GRCh37 coordinates, 1-based), cytogenetic band 15q26.1.
Identifiers: ClinVar variation 1340806 (VCV001340806.1).